The following is an entry in ClinVar:

NM_001365536.1(SCN9A):c.1975-8T>A

Genes: SCN1A-AS1 (SCN1A and SCN9A antisense RNA 1; plus strand), SCN9A (sodium voltage-gated channel alpha subunit 9; minus strand). Cytogenetic location: 2q24.3.
Variant type: single nucleotide variant.
Coding change: c.1975-8T>A on transcript NM_001365536.1 (MANE Select); 8 bases into the intron before coding-DNA position 1975, T replaced by A.
Molecular consequence: intron variant.
Genome position (GRCh38, 1-based): chr2:166,281,816, A>T on the plus strand (T>A on the coding strand, the complement: SCN9A is on the minus strand). VCF-style: chr2-166281816-A-T. GRCh37 (hg19) VCF-style: chr2-167138326-A-T.
Other names: c.1942-8T>A (NM_002977.4).
Identifiers: ClinVar variation 290864 (VCV000290864.15), dbSNP rs752961542, ClinGen allele CA1944372.
Genomic context (GRCh38, chr2:166,281,816, plus strand): 5'-GAAAGGAGATAGGAACTACAACGCCTTTTCTTGTGTATTTGATTGGTCGTGCCCTAAAAA[A>T]AAAATCAATTAATGTCTTAAGAACAGAATCCTAATAAATTGTAGGTATAAGATAAAATCT-3'

ClinVar aggregate classification (germline): Conflicting classifications of pathogenicity. Review status: criteria provided, conflicting classifications (1 of 4 stars). 3 submissions from 3 submitters: Uncertain significance (1); Likely benign (2). Last evaluated 2024-04-30.

Conditions:
Neuropathy, hereditary sensory and autonomic, type 2A (HSAN2A). Also called: MORVAN DISEASE; NEUROPATHY, CONGENITAL SENSORY; NEUROPATHY, HEREDITARY SENSORY RADICULAR, AUTOSOMAL RECESSIVE; NEUROPATHY, HEREDITARY SENSORY, TYPE IIA; NEUROPATHY, PROGRESSIVE SENSORY, OF CHILDREN; WNK1-Related HSAN2 (HSAN2A). Identifiers: Orphanet 970, MedGen C2752089, MONDO:0024309, OMIM 201300.
Generalized epilepsy with febrile seizures plus, type 7 (GEFSP7). Also called: GEFS+, TYPE 7. Identifiers: Orphanet 36387, MedGen C2751778, MONDO:0013470, OMIM 613863.

Allele frequency attached by ClinVar (database versions not stated): ExAC 0.00001; gnomAD exomes 0.00001; TOPMed 0.00001; gnomAD 0.00005.
gnomAD v4.1: 10 of 1,599,196 alleles (0.00063%); highest among the groups gnomAD compares: African/African-American, 0.0054%; no homozygotes.

Submissions (3):

Labcorp Genetics (formerly Invitae), Labcorp
Classification: Likely benign for Neuropathy, hereditary sensory and autonomic, type 2A; Generalized epilepsy with febrile seizures plus, type 7. Last evaluated: 2024-04-30. Review status: criteria provided, single submitter. Criteria: Invitae Variant Classification Sherloc (09022015). Collection method: clinical testing. Allele origin: germline.

Eurofins Ntd Llc (ga)
Classification: Uncertain significance. Last evaluated: 2016-08-31. Review status: criteria provided, single submitter. Criteria: EGL Classification Definitions 2015. Collection method: clinical testing. Allele origin: germline. Observed: 1 variant allele, 1 heterozygote.

GeneDx
Classification: Likely benign. Last evaluated: 2016-04-04. Review status: criteria provided, single submitter. Criteria: GeneDx Variant Classification (06012015). Collection method: clinical testing. Allele origin: germline. Affected: yes.
Comment: This variant is considered likely benign or benign based on one or more of the following criteria: it is a conservative change, it occurs at a poorly conserved position in the protein, it is predicted to be benign by multiple in silico algorithms, and/or has population frequency not consistent with disease.